The following is an entry in ClinVar:

ClinVar aggregate classification (germline): Conflicting classifications of pathogenicity. Review status: criteria provided, conflicting classifications (1 of 4 stars). 3 submissions from 2 submitters: Uncertain significance (1); Benign (1); Likely benign (1). Last evaluated 2024-05-29.

Conditions:
Hypothyroidism due to TSH receptor mutations. Also called: HYPOTHYROIDISM DUE TO UNRESPONSIVENESS TO THYROTROPIN; HYPOTHYROIDISM, CONGENITAL, DUE TO TSH RESISTANCE; HYPOTHYROIDISM, NONAUTOIMMUNE; THYROID-STIMULATING HORMONE, RESISTANCE TO; TSH RESISTANCE; Hypothyroidism, congenital, nongoitrous, 1. Identifiers: Orphanet 90673, MedGen C3493776, MONDO:0010142, OMIM 275200.
Familial hyperthyroidism due to mutations in TSH receptor. Also called: HYPERTHYROIDISM, CONGENITAL NONAUTOIMMUNE; HYPERTHYROIDISM, NONAUTOIMMUNE, AUTOSOMAL DOMINANT; TOXIC THYROID HYPERPLASIA, AUTOSOMAL DOMINANT. Identifiers: Orphanet 424, MedGen C1836706, MONDO:0012203, OMIM 609152.

Allele frequency attached by ClinVar (database versions not stated): gnomAD exomes 0.00006 and 0.00017; ESP Exome Variant Server 0.00008; ExAC 0.00012; gnomAD 0.00039 and 0.00040; TOPMed 0.00042.
gnomAD v4.1: 159 of 1,614,130 alleles (0.0099%); highest among the groups gnomAD compares: Middle Eastern, 0.51%; no homozygotes.

Submissions (3):

Labcorp Genetics (formerly Invitae), Labcorp
Classification: Likely benign. Last evaluated: 2024-05-29. Review status: criteria provided, single submitter. Criteria: Invitae Variant Classification Sherloc (09022015). Collection method: clinical testing. Allele origin: germline.

Illumina Laboratory Services, Illumina
Classification: Uncertain significance for Hypothyroidism due to TSH receptor mutations. Last evaluated: 2018-01-13. Review status: criteria provided, single submitter. Criteria: ICSL Variant Classification Criteria 13 December 2019. Collection method: clinical testing. Allele origin: germline.

Illumina Laboratory Services, Illumina
Classification: Benign for Familial hyperthyroidism due to mutations in TSH receptor. Last evaluated: 2018-01-13. Review status: criteria provided, single submitter. Criteria: ICSL Variant Classification Criteria 13 December 2019. Collection method: clinical testing. Allele origin: germline.
Comment: This variant was observed in the ICSL laboratory as part of a predisposition screen in an ostensibly healthy population. It had not been previously curated by ICSL or reported in the Human Gene Mutation Database (HGMD: prior to June 1st, 2018), and was therefore a candidate for classification through an automated scoring system. Utilizing variant allele frequency, disease prevalence and penetrance estimates, and inheritance mode, an automated score was calculated to assess if this variant is too frequent to cause the disease. Based on the score and internal cut-off values, a variant classified as benign is not then subjected to further curation. The score for this variant resulted in a classification of benign for this disease.

NM_000369.5(TSHR):c.1290G>A (p.Leu430=)

Genes: TSHR-AS1 (TSHR antisense RNA 1; minus strand), TSHR (thyroid stimulating hormone receptor; plus strand). Cytogenetic location: 14q31.1.
Variant type: single nucleotide variant.
Coding change: c.1290G>A on transcript NM_000369.5 (MANE Select); coding-DNA position 1290, G replaced by A.
Protein change: p.Leu430=; no amino-acid change (leucine 430 retained).
Molecular consequence: synonymous variant.
Genome position (GRCh38, 1-based): chr14:81,143,348, G>A. VCF-style: chr14-81143348-G-A. GRCh37 (hg19) VCF-style: chr14-81609692-G-A.
Identifiers: ClinVar variation 314697 (VCV000314697.12), dbSNP rs375393735, ClinGen allele CA7294427.